The following is an entry in ClinVar:

NM_002693.3(POLG):c.2743G>A (p.Ala915Thr)

Gene: POLG (DNA polymerase gamma, catalytic subunit; minus strand). Cytogenetic location: 15q26.1.
Variant type: single nucleotide variant.
Coding change: c.2743G>A on transcript NM_002693.3 (MANE Select); coding-DNA position 2743, G replaced by A.
Protein change: p.Ala915Thr; replaces alanine 915 with threonine.
Molecular consequence: missense variant.
Genome position (GRCh38, 1-based): chr15:89,321,004, C>T on the plus strand (G>A on the coding strand, the complement: POLG is on the minus strand). VCF-style: chr15-89321004-C-T. GRCh37 (hg19) VCF-style: chr15-89864235-C-T.
Other names: c.2743G>A, p.Ala915Thr (NM_001126131.2); short protein forms A915T.
Identifiers: ClinVar variation 1807555 (VCV001807555.7), dbSNP rs764464230, ClinGen allele CA7724352.

ClinVar aggregate classification (germline): Uncertain significance. Review status: criteria provided, multiple submitters, no conflicts (2 of 4 stars). 4 submissions from 4 submitters: Uncertain significance (4). Last evaluated 2025-07-31.

Conditions:
Inborn genetic diseases. Identifiers: MedGen C0950123, MeSH D030342.
Progressive sclerosing poliodystrophy (MTDPS4A). Also called: Alpers-Huttenlocher Syndrome; Mitochondrial DNA Depletion Syndrome 4A; ALPERS PROGRESSIVE INFANTILE POLIODYSTROPHY; NEURONAL DEGENERATION OF CHILDHOOD WITH LIVER DISEASE, PROGRESSIVE; Alpers-Huttenlocher Syndrome (AHS); Alpers Syndrome. Identifiers: Orphanet 726, MedGen C0205710, MONDO:0008758, OMIM 203700.

Allele frequency attached by ClinVar (database versions not stated): gnomAD exomes 0.00001; ExAC 0.00002; TOPMed 0.00003; gnomAD 0.00004.
gnomAD v4.1: 9 of 1,614,034 alleles (0.00056%); highest among the groups gnomAD compares: African/African-American, 0.012%; no homozygotes.

Submissions (4):

Labcorp Genetics (formerly Invitae), Labcorp
Classification: Uncertain significance for Progressive sclerosing poliodystrophy. Last evaluated: 2025-07-31. Review status: criteria provided, single submitter. Criteria: Invitae Variant Classification Sherloc (09022015). Collection method: clinical testing. Allele origin: germline.
Comment: This sequence change replaces alanine, which is neutral and non-polar, with threonine, which is neutral and polar, at codon 915 of the POLG protein (p.Ala915Thr). This variant is present in population databases (rs764464230, gnomAD 0.02%). This variant has not been reported in the literature in individuals affected with POLG-related conditions. ClinVar contains an entry for this variant (Variation ID: 1807555). Invitae Evidence Modeling of protein sequence and biophysical properties (such as structural, functional, and spatial information, amino acid conservation, physicochemical variation, residue mobility, and thermodynamic stability) indicates that this missense variant is expected to disrupt POLG protein function with a positive predictive value of 95%. In summary, the available evidence is currently insufficient to determine the role of this variant in disease. Therefore, it has been classified as a Variant of Uncertain Significance.

Ambry Genetics
Classification: Uncertain significance for Inborn genetic diseases. Last evaluated: 2025-04-11. Review status: criteria provided, single submitter. Criteria: Ambry Variant Classification Scheme 2023. Collection method: clinical testing. Allele origin: germline.

GeneDx
Classification: Uncertain significance. Last evaluated: 2024-04-20. Review status: criteria provided, single submitter. Criteria: GeneDx Variant Classification Process June 2021. Collection method: clinical testing. Allele origin: germline. Affected: yes.
Comment: In silico analysis indicates that this missense variant does not alter protein structure/function; Has not been previously published as pathogenic or benign to our knowledge

Athena Diagnostics
Classification: Uncertain significance. Last evaluated: 2021-12-28. Review status: criteria provided, single submitter. Criteria: Athena Diagnostics Criteria. Collection method: clinical testing. Allele origin: unknown.